The following is an entry in ClinVar:

NM_152703.5(SAMD9L):c.2192C>G (p.Pro731Arg)

Gene: SAMD9L (sterile alpha motif domain containing 9 like; minus strand). Cytogenetic location: 7q21.2.
Variant type: single nucleotide variant.
Coding change: c.2192C>G on transcript NM_152703.5 (MANE Select); coding-DNA position 2192, C replaced by G.
Protein change: p.Pro731Arg; replaces proline 731 with arginine.
Molecular consequence: missense variant.
Genome position (GRCh38, 1-based): chr7:93,133,780, G>C on the plus strand (C>G on the coding strand, the complement: SAMD9L is on the minus strand). VCF-style: chr7-93133780-G-C. GRCh37 (hg19) VCF-style: chr7-92763093-G-C.
Other names: c.2192C>G, p.Pro731Arg (NM_001303496.3, NM_001303497.3, NM_001303498.3 and 5 more transcripts); short protein forms P731R.
Identifiers: ClinVar variation 3792210 (VCV003792210.2).

ClinVar aggregate classification (germline): Uncertain significance. Review status: criteria provided, multiple submitters, no conflicts (2 of 4 stars). 2 submissions from 2 submitters: Uncertain significance (2). Last evaluated 2026-02-11.

Conditions:
Inborn genetic diseases. Identifiers: MedGen C0950123, MeSH D030342.
Ataxia-pancytopenia syndrome (ATXPC). Also called: SAMD9L Ataxia-Pancytopenia Syndrome; SAMD9L-Related Syndrome. Identifiers: Orphanet 2585, MedGen C1327919, MONDO:0008038, OMIM 159550.

gnomAD v4.1: 4 of 1,613,670 alleles (0.00025%); highest among the groups gnomAD compares: African/African-American, 0.0027%; no homozygotes.

Submissions (2):

St. Jude Molecular Pathology, St. Jude Children's Research Hospital
Classification: Uncertain significance for Ataxia-pancytopenia syndrome. Last evaluated: 2026-02-11. Review status: criteria provided, single submitter. Criteria: St. Jude Assertion Criteria 2020. Collection method: clinical testing. Allele origin: germline.
Comment: The SAMD9L c.2192C>G p.(Pro731Arg) missense change has a maximum subpopulation frequency of 0.006% in gnomAD v2.1.1. The in silico tool REVEL predicts a benign effect on protein function, but to our knowledge this prediction has not been confirmed by functional studies. In silico predictions have not been found to correlate with syndromic risk and are not considered supporting evidence of a pathogenic or benign effect (PMID: 34621053). To our knowledge, this variant has not been reported in individuals with ataxia-pancytopenia syndrome or monosomy 7 myelodysplasia and leukemia syndrome. In summary, the evidence currently available is insufficient to determine the clinical significance of this variant. It has therefore been classified as of uncertain significance.

Ambry Genetics
Classification: Uncertain significance for Inborn genetic diseases. Last evaluated: 2024-12-15. Review status: criteria provided, single submitter. Criteria: Ambry Variant Classification Scheme 2023. Collection method: clinical testing. Allele origin: germline.
Comment: The p.P731R variant (also known as c.2192C>G), located in coding exon 1 of the SAMD9L gene, results from a C to G substitution at nucleotide position 2192. The proline at codon 731 is replaced by arginine, an amino acid with dissimilar properties. This amino acid position is conserved. In addition, this alteration is predicted to be tolerated by in silico analysis. Based on the available evidence, the clinical significance of this variant remains unclear.